The following is an entry in ClinVar:

ClinVar aggregate classification (germline): Uncertain significance (1 of 4 stars; one submission).

Submission:

Labcorp Genetics (formerly Invitae), Labcorp
Classification: Uncertain significance. Last evaluated: 2024-02-20. Review status: criteria provided, single submitter. Criteria: Invitae Variant Classification Sherloc (09022015). Collection method: clinical testing. Allele origin: germline.
Comment: This sequence change replaces glutamic acid, which is acidic and polar, with aspartic acid, which is acidic and polar, at codon 51 of the DNAH9 protein (p.Glu51Asp). This variant is not present in population databases (gnomAD no frequency). This variant has not been reported in the literature in individuals affected with DNAH9-related conditions. ClinVar contains an entry for this variant (Variation ID: 1964356). Algorithms developed to predict the effect of missense changes on protein structure and function output the following: SIFT: "Not Available"; PolyPhen-2: "Benign"; Align-GVGD: "Not Available". The aspartic acid amino acid residue is found in multiple mammalian species, which suggests that this missense change does not adversely affect protein function. In summary, the available evidence is currently insufficient to determine the role of this variant in disease. Therefore, it has been classified as a Variant of Uncertain Significance.

NM_001372.4(DNAH9):c.153G>C (p.Glu51Asp)

Gene: DNAH9 (dynein axonemal heavy chain 9; plus strand). Cytogenetic location: 17p12.
Variant type: single nucleotide variant.
Coding change: c.153G>C on transcript NM_001372.4 (MANE Select); coding-DNA position 153, G replaced by C.
Protein change: p.Glu51Asp; replaces glutamic acid 51 with aspartic acid.
Molecular consequence: missense variant.
Genome position (GRCh38, 1-based): chr17:11,598,651, G>C. VCF-style: chr17-11598651-G-C. GRCh37 (hg19) VCF-style: chr17-11501968-G-C.
Other names: short protein forms E51D.
Identifiers: ClinVar variation 1964356 (VCV001964356.5), dbSNP rs1265284624, ClinGen allele CA398153748.